The following is an entry in ClinVar:

ClinVar aggregate classification (germline): Conflicting classifications of pathogenicity. Review status: criteria provided, conflicting classifications (1 of 4 stars). 5 submissions from 5 submitters: Uncertain significance (3); Likely benign (2). Last evaluated 2026-01-02.

Conditions:
Cryopyrin associated periodic syndrome (CAPS). Identifiers: Orphanet 208650, MedGen C2316212, MONDO:0016168.

Allele frequency attached by ClinVar (database versions not stated): TOPMed 0.00001.
gnomAD v4.1: 82 of 1,613,878 alleles (0.0051%); highest among the groups gnomAD compares: Middle Eastern, 0.016%; 1 homozygote.

Submissions (5):

Labcorp Genetics (formerly Invitae), Labcorp
Classification: Likely benign for Cryopyrin associated periodic syndrome. Last evaluated: 2026-01-02. Review status: criteria provided, single submitter. Criteria: Invitae Variant Classification Sherloc (09022015). Collection method: clinical testing. Allele origin: germline.

Blueprint Genetics
Classification: Likely benign. Last evaluated: 2024-07-15. Review status: criteria provided, single submitter. Criteria: ACMG Guidelines, 2015. Collection method: clinical testing. Allele origin: germline.

GeneDx
Classification: Uncertain significance. Last evaluated: 2024-05-30. Review status: criteria provided, single submitter. Criteria: GeneDx Variant Classification Process June 2021. Collection method: clinical testing. Allele origin: germline. Affected: yes.
Comment: Identified in patients with inflammatory disorders in published literature (PMID: 24135410, 35482138); In silico analysis indicates that this missense variant does not alter protein structure/function; Also known as T193M; This variant is associated with the following publications: (PMID: 33329557, 26444566, 32082075, 28421071, 33954847, 24135410, 35482138)

ARUP Laboratories, Molecular Genetics and Genomics, ARUP Laboratories
Classification: Uncertain significance. Last evaluated: 2022-04-01. Review status: criteria provided, single submitter. Criteria: ARUP Molecular Germline Variant Investigation Process 2021. Collection method: clinical testing. Allele origin: germline.
Comment: The NLRP3 c.584C>T; p.Thr195Met variant (rs76291085) is reported in the literature in an individual affected with Behcet's syndrome (Yuksel 2013). This variant is found in the general population with an overall allele frequency of 0.003 % (11/ 282,512 alleles) in the Genome Aggregation Database. The threonine at codon 195 is weakly conserved, and computational analyses are uncertain whether this variant is neutral or deleterious (REVEL: 0.244). Due to limited information, the clinical significance of the p.Thr195Met variant is uncertain at this time. References: Yuksel et al. Novel NLRP3/cryopyrin mutations and pro-inflammatory cytokine profiles in Behçet's syndrome patients. Int Immunol. 2014 Feb;26(2):71-81. doi: 10.1093/intimm/dxt046. Epub 2013 Oct 17. PMID: 24135410.

CeGaT Center for Human Genetics Tuebingen
Classification: Uncertain significance. Last evaluated: 2018-07-01. Review status: criteria provided, single submitter. Criteria: CeGaT Center For Human Genetics Tuebingen Variant Classification Criteria Version 2. Collection method: clinical testing. Allele origin: germline. Affected: yes. Observed: 1 variant allele.

NM_001243133.2(NLRP3):c.578C>T (p.Thr193Met)

Gene: NLRP3 (NLR family pyrin domain containing 3; plus strand). Cytogenetic location: 1q44.
Variant type: single nucleotide variant.
Coding change: c.578C>T on transcript NM_001243133.2 (MANE Select); coding-DNA position 578, C replaced by T.
Protein change: p.Thr193Met; replaces threonine 193 with methionine.
Molecular consequence: missense variant.
Genome position (GRCh38, 1-based): chr1:247,424,027, C>T. VCF-style: chr1-247424027-C-T. GRCh37 (hg19) VCF-style: chr1-247587329-C-T.
Other names: c.578C>T, p.Thr193Met (NM_001079821.3, NM_001127461.3, NM_001127462.3 and 1 more transcripts); c.584C>T, p.Thr195Met (NM_004895.5); short protein forms T195M, T193M.
Identifiers: ClinVar variation 234297 (VCV000234297.56), dbSNP rs76291085, ClinGen allele CA1494898.